The following is an entry in ClinVar:

ClinVar aggregate classification (germline): Uncertain significance (1 of 4 stars; one submission).

Allele frequency attached by ClinVar (database versions not stated): gnomAD 0.00001.
gnomAD v4.1: 1 of 1,550,220 alleles (0.000065%); highest among the groups gnomAD compares: Admixed American, 0.002%; no homozygotes.

Submission:

Labcorp Genetics (formerly Invitae), Labcorp
Classification: Uncertain significance. Last evaluated: 2021-10-21. Review status: criteria provided, single submitter. Criteria: Invitae Variant Classification Sherloc (09022015). Collection method: clinical testing. Allele origin: germline.
Comment: This sequence change replaces glycine with aspartic acid at codon 1226 of the ERBIN protein (p.Gly1226Asp). The glycine residue is weakly conserved and there is a moderate physicochemical difference between glycine and aspartic acid. In summary, the available evidence is currently insufficient to determine the role of this variant in disease. Therefore, it has been classified as a Variant of Uncertain Significance. Algorithms developed to predict the effect of missense changes on protein structure and function (SIFT, PolyPhen-2, Align-GVGD) all suggest that this variant is likely to be tolerated. This variant has not been reported in the literature in individuals affected with ERBIN-related conditions. The frequency data for this variant in the population databases is considered unreliable, as metrics indicate insufficient coverage at this position in the ExAC database.

NM_001253697.2(ERBIN):c.3677G>A (p.Gly1226Asp)

Gene: ERBIN (erbb2 interacting protein; plus strand). Cytogenetic location: 5q12.3.
Variant type: single nucleotide variant.
Coding change: c.3677G>A on transcript NM_001253697.2 (MANE Select); coding-DNA position 3677, G replaced by A.
Protein change: p.Gly1226Asp; replaces glycine 1226 with aspartic acid.
Molecular consequence: missense variant. On other transcripts: intron variant (5).
Genome position (GRCh38, 1-based): chr5:66,072,212, G>A. VCF-style: chr5-66072212-G-A. GRCh37 (hg19) VCF-style: chr5-65368040-G-A.
Other names: c.3778-2812G>A (NM_001253699.2); c.3634-2812G>A (NM_018695.4, NM_001253698.2); c.3634-4104G>A (NM_001006600.3); c.3622-2812G>A (NM_001253701.2); short protein forms G1226D.
Identifiers: ClinVar variation 1471075 (VCV001471075.6), dbSNP rs1761594999, ClinGen allele CA359870697.